The following is an entry in ClinVar:

ClinVar aggregate classification (germline): Uncertain significance. Review status: criteria provided, multiple submitters, no conflicts (2 of 4 stars). 3 submissions from 3 submitters: Uncertain significance (3). Last evaluated 2024-09-03.

Conditions:
Hereditary cancer-predisposing syndrome. Also called: Tumor predisposition; Hereditary neoplastic syndrome; Neoplastic Syndromes, Hereditary; Hereditary Cancer Syndrome. Identifiers: Orphanet 140162, MedGen C0027672, MeSH D009386, MONDO:0015356.
Familial adenomatous polyposis 1 (FAP1). Also called: POLYPOSIS, ADENOMATOUS INTESTINAL; FAMILIAL ADENOMATOUS POLYPOSIS 1, ATTENUATED. Identifiers: MedGen C2713442, MONDO:0021056, OMIM 175100. Disease mechanism: loss of function.

Allele frequency attached by ClinVar (database versions not stated): TOPMed below 0.00001.

Submissions (3):

Labcorp Genetics (formerly Invitae), Labcorp
Classification: Uncertain significance for Familial adenomatous polyposis 1. Last evaluated: 2024-09-03. Review status: criteria provided, single submitter. Criteria: Invitae Variant Classification Sherloc (09022015). Collection method: clinical testing. Allele origin: germline.
Comment: This sequence change replaces threonine, which is neutral and polar, with serine, which is neutral and polar, at codon 1388 of the APC protein (p.Thr1388Ser). This variant is not present in population databases (gnomAD no frequency). This variant has not been reported in the literature in individuals affected with APC-related conditions. ClinVar contains an entry for this variant (Variation ID: 664522). Invitae Evidence Modeling of protein sequence and biophysical properties (such as structural, functional, and spatial information, amino acid conservation, physicochemical variation, residue mobility, and thermodynamic stability) indicates that this missense variant is not expected to disrupt APC protein function with a negative predictive value of 95%. In summary, the available evidence is currently insufficient to determine the role of this variant in disease. Therefore, it has been classified as a Variant of Uncertain Significance.

Baylor Genetics
Classification: Uncertain significance for Familial adenomatous polyposis 1. Last evaluated: 2023-11-28. Review status: criteria provided, single submitter. Criteria: ACMG Guidelines, 2015. Collection method: clinical testing. Allele origin: unknown.

Ambry Genetics
Classification: Uncertain significance for Hereditary cancer-predisposing syndrome. Last evaluated: 2023-08-07. Review status: criteria provided, single submitter. Criteria: Ambry Variant Classification Scheme 2023. Collection method: clinical testing. Allele origin: germline.
Comment: The p.T1388S variant (also known as c.4162A>T), located in coding exon 15 of the APC gene, results from an A to T substitution at nucleotide position 4162. The threonine at codon 1388 is replaced by serine, an amino acid with similar properties. This amino acid position is highly conserved in available vertebrate species. In addition, in silico predictors for this gene do not accurately predict pathogenicity. Since supporting evidence is limited at this time, the clinical significance of this alteration remains unclear.

NM_000038.6(APC):c.4162A>T (p.Thr1388Ser)

Gene: APC (APC regulator of Wnt signaling pathway; plus strand). Cytogenetic location: 5q22.2.
Variant type: single nucleotide variant.
Coding change: c.4162A>T on transcript NM_000038.6 (MANE Select); coding-DNA position 4162, A replaced by T.
Protein change: p.Thr1388Ser; replaces threonine 1388 with serine.
Molecular consequence: missense variant.
Genome position (GRCh38, 1-based): chr5:112,839,756, A>T. VCF-style: chr5-112839756-A-T. GRCh37 (hg19) VCF-style: chr5-112175453-A-T.
Other names: c.4162A>T, p.Thr1388Ser (NM_001127510.3, NM_001354895.2); c.4108A>T, p.Thr1370Ser (NM_001127511.3); c.4216A>T, p.Thr1406Ser (NM_001354896.2); c.4192A>T, p.Thr1398Ser (NM_001354897.2); c.4087A>T, p.Thr1363Ser (NM_001354898.2); c.4078A>T, p.Thr1360Ser (NM_001354899.2); c.4039A>T, p.Thr1347Ser (NM_001354900.2); c.3985A>T, p.Thr1329Ser (NM_001354901.2); and 5 more; short protein forms T1297S, T1347S, T1398S, T1228S, T1262S, T1363S, T1388S, T1406S.
Identifiers: ClinVar variation 664522 (VCV000664522.14), dbSNP rs1269810575, ClinGen allele CA16030453.